The following is an entry in ClinVar:

NM_023110.3(FGFR1):c.646A>G (p.Ile216Val)

Gene: FGFR1 (fibroblast growth factor receptor 1; minus strand). Cytogenetic location: 8p11.23.
Variant type: single nucleotide variant.
Coding change: c.646A>G on transcript NM_023110.3 (MANE Select); coding-DNA position 646, A replaced by G.
Protein change: p.Ile216Val; replaces isoleucine 216 with valine.
Molecular consequence: missense variant.
Genome position (GRCh38, 1-based): chr8:38,426,221, T>C on the plus strand (A>G on the coding strand, the complement: FGFR1 is on the minus strand). VCF-style: chr8-38426221-T-C. GRCh37 (hg19) VCF-style: chr8-38283739-T-C.
Other names: c.646A>G, p.Ile216Val (NM_001174063.2); c.622A>G, p.Ile208Val (NM_001174064.2); c.640A>G, p.Ile214Val (NM_001174065.2, NM_001354367.2, NM_001354369.2 and 1 more transcripts); c.379A>G, p.Ile127Val (NM_001174066.2, NM_023105.3); c.739A>G, p.Ile247Val (NM_001174067.2); c.373A>G, p.Ile125Val (NM_001354368.2, NM_001354370.2, NM_023106.3); short protein forms I214V, I247V, I125V, I127V, I208V, I216V.
Identifiers: ClinVar variation 936473 (VCV000936473.8), dbSNP rs763771933, ClinGen allele CA4718676.

ClinVar aggregate classification (germline): Uncertain significance. Review status: criteria provided, multiple submitters, no conflicts (2 of 4 stars). 2 submissions from 2 submitters: Uncertain significance (2). Last evaluated 2023-11-25.

Conditions:
Pfeiffer syndrome (ACS5). Also called: ACS V. Identifiers: Orphanet 710, MedGen C0220658, MONDO:0007043, OMIM 101600.
Hypogonadotropic hypogonadism 2 with or without anosmia (HH2). Also called: FGFR1-Related GnRH Deficiency (Kallmann Syndrome 2); HYPOGONADOTROPIC HYPOGONADISM 2 WITHOUT ANOSMIA; HYPOGONADOTROPIC HYPOGONADISM 2 WITH OR WITHOUT ANOSMIA, SUSCEPTIBILITY TO; HYPOGONADOTROPIC HYPOGONADISM 2 WITHOUT ANOSMIA, SUSCEPTIBILITY TO. Identifiers: Orphanet 478, MedGen C1563720, MONDO:0007844, OMIM 147950. Disease mechanism: loss of function.

Allele frequency attached by ClinVar (database versions not stated): gnomAD exomes below 0.00001 and 0.00001; ExAC 0.00001; gnomAD 0.00001 and 0.00002; TOPMed 0.00002.
gnomAD v4.1: 20 of 1,614,068 alleles (0.0012%); highest among the groups gnomAD compares: South Asian, 0.0044%; no homozygotes.

Submissions (2):

Labcorp Genetics (formerly Invitae), Labcorp
Classification: Uncertain significance for Pfeiffer syndrome; Hypogonadotropic hypogonadism 2 with or without anosmia. Last evaluated: 2023-11-25. Review status: criteria provided, single submitter. Criteria: Invitae Variant Classification Sherloc (09022015). Collection method: clinical testing. Allele origin: germline.
Comment: This sequence change replaces isoleucine, which is neutral and non-polar, with valine, which is neutral and non-polar, at codon 216 of the FGFR1 protein (p.Ile216Val). This variant is present in population databases (rs763771933, gnomAD 0.003%). This missense change has been observed in individual(s) with hypogonadotropic hypogonadism (PMID: 26708526). ClinVar contains an entry for this variant (Variation ID: 936473). Advanced modeling of protein sequence and biophysical properties (such as structural, functional, and spatial information, amino acid conservation, physicochemical variation, residue mobility, and thermodynamic stability) has been performed at Invitae for this missense variant, however the output from this modeling did not meet the statistical confidence thresholds required to predict the impact of this variant on FGFR1 protein function. In summary, the available evidence is currently insufficient to determine the role of this variant in disease. Therefore, it has been classified as a Variant of Uncertain Significance.

GeneDx
Classification: Uncertain significance. Last evaluated: 2021-01-04. Review status: criteria provided, single submitter. Criteria: GeneDx Variant Classification Process June 2021. Collection method: clinical testing. Allele origin: germline. Affected: yes.
Comment: Identified in the heterozygous state in an individual with isolated hypogonadotrophic hypogonadism, however, this variant was also present in the unaffected mother and an unaffected sibling (Nair et al., 2016); Not observed at a significant frequency in large population cohorts (Lek et al., 2016); In silico analysis, which includes protein predictors and evolutionary conservation, supports that this variant does not alter protein structure/function; This variant is associated with the following publications: (PMID: 26708526)

Literature cited by the submitters: PubMed 26708526 (cited by Labcorp Genetics (formerly Invitae), Labcorp).